The following is an entry in ClinVar:

ClinVar aggregate classification (germline): Conflicting classifications of pathogenicity. Review status: criteria provided, conflicting classifications (1 of 4 stars). 2 submissions from 2 submitters: Uncertain significance (1); Likely benign (1). Last evaluated 2026-01-01.

Submissions (2):

CeGaT Center for Human Genetics Tuebingen
Classification: Uncertain significance. Last evaluated: 2026-01-01. Review status: criteria provided, single submitter. Criteria: CeGaT Center For Human Genetics Tuebingen Variant Classification Criteria Version 2. Collection method: clinical testing. Allele origin: germline. Affected: yes. Observed: 1 variant allele.
Comment: KCNT1: PM2, BP4

GeneDx
Classification: Likely benign. Last evaluated: 2018-03-08. Review status: criteria provided, single submitter. Criteria: GeneDx Variant Classification (06012015). Collection method: clinical testing. Allele origin: germline. Affected: yes.
Comment: This variant is considered likely benign or benign based on one or more of the following criteria: it is a conservative change, it occurs at a poorly conserved position in the protein, it is predicted to be benign by multiple in silico algorithms, and/or has population frequency not consistent with disease.

NM_020822.3(KCNT1):c.2350-40CAGCCCTGACTC[3]

Gene: KCNT1 (potassium sodium-activated channel subfamily T member 1; plus strand). Cytogenetic location: 9q34.3.
Variant type: Microsatellite.
Coding change: c.2350-40CAGCCCTGACTC[3] on transcript NM_020822.3 (MANE Select); three copies in a row of the 12-base unit CAGCCCTGACTC starting at c.2350-40.
Molecular consequence: intron variant.
Genome position: GRCh38 VCF-style: chr9-135777297-A-ACAGCCCTGACTC. GRCh37 (hg19) VCF-style: chr9-138669143-A-ACAGCCCTGACTC.
Other names: c.2215-40CAGCCCTGACTC[3] (NM_001272003.2); c.2350-24_2350-13dupCCTGACTCCAGC (NM_020822.2).
Identifiers: ClinVar variation 421854 (VCV000421854.5), dbSNP rs374463149, ClinGen allele CA5327284.